The following is an entry in ClinVar:

ClinVar aggregate classification (germline): Benign. Review status: criteria provided, single submitter (1 of 4 stars). 2 submissions from 2 submitters: Benign (1). 1 of the submissions does not count toward it. Last evaluated 2018-08-08.

Conditions:
TAF15-related disorder. Also called: TAF15-related condition.

Allele frequency attached by ClinVar (database versions not stated): gnomAD exomes 0.00016 and 0.00026; ExAC 0.00026; ESP Exome Variant Server 0.00077; gnomAD 0.00125 and 0.00136; 1000 Genomes Project 0.00240.
gnomAD v4.1: 398 of 1,568,556 alleles (0.025%); highest among the groups gnomAD compares: African/African-American, 0.41%; 1 homozygote.

Submissions (2):

Labcorp Genetics (formerly Invitae), Labcorp
Classification: Benign. Last evaluated: 2018-08-08. Review status: criteria provided, single submitter. Criteria: Invitae Variant Classification Sherloc (09022015). Collection method: clinical testing. Allele origin: germline.

PreventionGenetics, part of Exact Sciences
Classification: Likely benign for TAF15-related condition. Last evaluated: 2023-02-08. Review status: no assertion criteria provided. Collection method: clinical testing. Allele origin: germline. Not counted in ClinVar's aggregate classification.
Comment: This variant is classified as likely benign based on ACMG/AMP sequence variant interpretation guidelines (Richards et al. 2015 PMID: 25741868, with internal and published modifications).

NM_139215.3(TAF15):c.1347C>T (p.Asp449=)

Gene: TAF15 (TATA-box binding protein associated factor 15; plus strand). Cytogenetic location: 17q12.
Variant type: single nucleotide variant.
Coding change: c.1347C>T on transcript NM_139215.3 (MANE Select); coding-DNA position 1347, C replaced by T.
Protein change: p.Asp449=; no amino-acid change (aspartic acid 449 retained).
Molecular consequence: synonymous variant.
Genome position (GRCh38, 1-based): chr17:35,844,646, C>T. VCF-style: chr17-35844646-C-T. GRCh37 (hg19) VCF-style: chr17-34171650-C-T.
Other names: c.1338C>T, p.Asp446= (NM_003487.4).
Identifiers: ClinVar variation 786314 (VCV000786314.5), dbSNP rs145295353, ClinGen allele CA290041303.